The following is an entry in ClinVar:

ClinVar aggregate classification (germline): Likely pathogenic (1 of 4 stars; one submission).

Conditions:
Merosin deficient congenital muscular dystrophy (MDC1A). Also called: Congenital merosin-deficient muscular dystrophy 1A; Congenital Muscular Dystrophy Type 1A (MDC1A). Identifiers: Orphanet 258, MedGen C1263858, MONDO:0011925, OMIM 607855.

Submission:

MVZ Medizinische Genetik Mainz
Classification: Likely pathogenic for Merosin deficient congenital muscular dystrophy. Last evaluated: 2026-01-06. Review status: criteria provided, single submitter. Criteria: UK Practice Guidelines For Variant Classification V4 01 2020. Collection method: clinical testing. Allele origin: germline. Inheritance: Autosomal recessive inheritance. Affected: yes. Observed: 1 variant allele.
Comment: ACMG Criteria: PVS1,PM2_SUP

NM_000426.4(LAMA2):c.5825_5838del (p.Ala1942fs)

Gene: LAMA2 (laminin subunit alpha 2; plus strand). Cytogenetic location: 6q22.33.
Variant type: Deletion.
Coding change: c.5825_5838del on transcript NM_000426.4 (MANE Select); coding-DNA positions 5825 to 5838, 14 bases deleted (CCAAAGAAGCCAAA).
Protein change: p.Ala1942fs; shifts the reading frame from alanine 1942.
Molecular consequence: frameshift variant.
Genome position (GRCh38, 1-based): chr6:129,403,919-129,403,932, CCAAAGAAGCCAAA deleted. VCF-style (leftmost placement, unchanged base first): chr6-129403918-GCCAAAGAAGCCAAA-G. GRCh37 (hg19) VCF-style: chr6-129725063-GCCAAAGAAGCCAAA-G.
Other names: c.5825_5838del, p.Ala1942fs (NM_001079823.2); short protein forms A1942fs.
Identifiers: ClinVar variation 4688153 (VCV004688153.1).